The following is an entry in ClinVar:

NM_004281.4(BAG3):c.351_352insTGGATGCAGCGATTCCGAACTGAGGCGGCAGCAGCGGCTCCTCAGAGGTCCCAGTCACCTCTGCGGGGCATGCCAGAAACCACTCAGCCAGATAAACAGCGTGGACAGGTGGCAGCGGCGGCGGCAGCCCAGCCCCCAGCCT (p.Gly118fs)

Gene: BAG3 (BAG cochaperone 3; plus strand). Cytogenetic location: 10q26.11.
Variant type: Microsatellite.
Coding change: c.351_352insTGGATGCAGCGATTCCGAACTGAGGCGGCAGCAGCGGCTCCTCAGAGGTCCCAGTCACCTCTGCGGGGCATGCCAGAAACCACTCAGCCAGATAAACAGCGTGGACAGGTGGCAGCGGCGGCGGCAGCCCAGCCCCCAGCCT on transcript NM_004281.4 (MANE Select); coding-DNA positions 351 to 352, TGGATGCAGCGATTCCGAACTGAGGCGGCAGCAGCGGCTCCTCAGAGGTCCCAGTCACCTCTGCGGGGCATGCCAGAAACCACTCAGCCAGATAAACAGCGTGGACAGGTGGCAGCGGCGGCGGCAGCCCAGCCCCCAGCCT inserted.
Protein change: p.Gly118fs; shifts the reading frame from glycine 118.
Molecular consequence: frameshift variant.
Genome position: GRCh38: chr10:119,670,013-119,670,021. GRCh37 (hg19): chr10:121,429,525-121,429,533.
Other names: short protein forms G118fs.
Identifiers: ClinVar variation 1075312 (VCV001075312.6).

ClinVar aggregate classification (germline): Pathogenic (1 of 4 stars; one submission).

Conditions:
Myofibrillar myopathy 6. Identifiers: Orphanet 199340, MedGen C2751831, MONDO:0013061, OMIM 612954.
Dilated cardiomyopathy 1HH (CMD1HH). Identifiers: Orphanet 154, MedGen C3151293, MONDO:0013479, OMIM 613881.

Submission:

Labcorp Genetics (formerly Invitae), Labcorp
Classification: Pathogenic for Dilated cardiomyopathy 1HH; Myofibrillar myopathy 6. Last evaluated: 2020-07-09. Review status: criteria provided, single submitter. Criteria: Invitae Variant Classification Sherloc (09022015). Collection method: clinical testing. Allele origin: germline.
Comment: This variant is not present in population databases (ExAC no frequency). For these reasons, this variant has been classified as Pathogenic. Loss-of-function variants in BAG3 are known to be pathogenic (PMID: 21353195, 25008357). Algorithms developed to predict the effect of sequence changes on RNA splicing suggest that this variant may create or strengthen a splice site, but this prediction has not been confirmed by published transcriptional studies. This variant has not been reported in the literature in individuals with BAG3-related conditions. This sequence change creates a premature translational stop signal (p.Gly118Trpfs*55) in the BAG3 gene. It is expected to result in an absent or disrupted protein product.

Literature cited by the submitters: PubMed 21353195; PubMed 25008357.